The following is an entry in ClinVar:

ClinVar aggregate classification (germline): Uncertain significance (1 of 4 stars; one submission).

Conditions:
Primary ciliary dyskinesia. Also called: Ciliary dyskinesia. Identifiers: Orphanet 244, MedGen C0008780, MONDO:0016575, HP:0012265.

Allele frequency attached by ClinVar (database versions not stated): gnomAD exomes below 0.00001.
gnomAD v4.1: 3 of 1,530,558 alleles (0.0002%); highest among the groups gnomAD compares: Non-Finnish European, 0.00027%; no homozygotes.

Submission:

Labcorp Genetics (formerly Invitae), Labcorp
Classification: Uncertain significance for Primary ciliary dyskinesia. Last evaluated: 2021-09-06. Review status: criteria provided, single submitter. Criteria: Invitae Variant Classification Sherloc (09022015). Collection method: clinical testing. Allele origin: germline.
Comment: In summary, the available evidence is currently insufficient to determine the role of this variant in disease. Therefore, it has been classified as a Variant of Uncertain Significance. Variants that disrupt the consensus splice site are a relatively common cause of aberrant splicing (PMID: 17576681, 9536098). Algorithms developed to predict the effect of sequence changes on RNA splicing suggest that this variant is not likely to affect RNA splicing. This variant has not been reported in the literature in individuals affected with DNAH8-related conditions. This variant is not present in population databases (ExAC no frequency). This sequence change falls in intron 10 of the DNAH8 gene. It does not directly change the encoded amino acid sequence of the DNAH8 protein. It affects a nucleotide within the consensus splice site of the intron.

Literature cited by the submitters: PubMed 17576681; PubMed 9536098.

NM_001206927.2(DNAH8):c.1515+3A>G

Genes: DNAH8 (dynein axonemal heavy chain 8; plus strand), LOC126859668 (P300/CBP strongly-dependent group 1 enhancer GRCh37_chr6:38723390-38724589; plus strand). Cytogenetic location: 6p21.2.
Variant type: single nucleotide variant.
Coding change: c.1515+3A>G on transcript NM_001206927.2 (MANE Select); 3 bases into the intron after coding-DNA position 1515, A replaced by G.
Molecular consequence: intron variant.
Genome position (GRCh38, 1-based): chr6:38,756,082, A>G. VCF-style: chr6-38756082-A-G. GRCh37 (hg19) VCF-style: chr6-38723858-A-G.
Other names: c.864+3A>G (NM_001371.4).
Identifiers: ClinVar variation 1365472 (VCV001365472.6), dbSNP rs1765881145, ClinGen allele CA1622369342.